The following is an entry in ClinVar:

NM_001378452.1(ITPR1):c.3925A>G (p.Ile1309Val)

Gene: ITPR1 (inositol 1,4,5-trisphosphate receptor type 1; plus strand). Cytogenetic location: 3p26.1.
Variant type: single nucleotide variant.
Coding change: c.3925A>G on transcript NM_001378452.1 (MANE Select); coding-DNA position 3925, A replaced by G.
Protein change: p.Ile1309Val; replaces isoleucine 1309 with valine.
Molecular consequence: missense variant.
Genome position (GRCh38, 1-based): chr3:4,691,240, A>G. VCF-style: chr3-4691240-A-G. GRCh37 (hg19) VCF-style: chr3-4732924-A-G.
Other names: c.3898A>G, p.Ile1300Val (NM_001099952.4); c.3880A>G, p.Ile1294Val (NM_001168272.2); c.3853A>G, p.Ile1285Val (NM_002222.7); short protein forms I1309V, I1294V, I1300V, I1285V.
Identifiers: ClinVar variation 2718659 (VCV002718659.3), dbSNP rs1237457924, ClinGen allele CA351630690.

ClinVar aggregate classification (germline): Uncertain significance (1 of 4 stars; one submission).

Allele frequency attached by ClinVar (database versions not stated): gnomAD 0.00001; gnomAD exomes 0.00001; TOPMed 0.00001.
gnomAD v4.1: 11 of 1,612,880 alleles (0.00068%); highest among the groups gnomAD compares: African/African-American, 0.0013%; no homozygotes.

Submission:

Labcorp Genetics (formerly Invitae), Labcorp
Classification: Uncertain significance. Last evaluated: 2024-04-03. Review status: criteria provided, single submitter. Criteria: Invitae Variant Classification Sherloc (09022015). Collection method: clinical testing. Allele origin: germline.
Comment: This sequence change replaces isoleucine, which is neutral and non-polar, with valine, which is neutral and non-polar, at codon 1285 of the ITPR1 protein (p.Ile1285Val). This variant is present in population databases (no rsID available, gnomAD 0.007%). This variant has not been reported in the literature in individuals affected with ITPR1-related conditions. Advanced modeling of protein sequence and biophysical properties (such as structural, functional, and spatial information, amino acid conservation, physicochemical variation, residue mobility, and thermodynamic stability) has been performed at Invitae for this missense variant, however the output from this modeling did not meet the statistical confidence thresholds required to predict the impact of this variant on ITPR1 protein function. In summary, the available evidence is currently insufficient to determine the role of this variant in disease. Therefore, it has been classified as a Variant of Uncertain Significance.